The following is an entry in ClinVar:

ClinVar aggregate classification (germline): Benign/Likely benign. Review status: criteria provided, multiple submitters, no conflicts (2 of 4 stars). 3 submissions from 3 submitters: Benign (1); Likely benign (2). Last evaluated 2026-01-11.

Conditions:
Renal cell carcinoma. Identifiers: Orphanet 217071, MedGen C0007134, MeSH D002292, MONDO:0005086, HP:0005584.
Papillary renal cell carcinoma type 1 (RCCP1). Also called: RENAL CELL CARCINOMA, PAPILLARY, 1, SOMATIC; Renal adenocarcinoma; Renal cell carcinoma 1; Renal cell carcinoma, somatic. Identifiers: Orphanet 47044, MedGen C1336839, OMIM 605074, HP:0011797.
Hereditary cancer-predisposing syndrome. Also called: Hereditary Cancer Syndrome; Neoplastic Syndromes, Hereditary; Hereditary neoplastic syndrome; Tumor predisposition. Identifiers: Orphanet 140162, MedGen C0027672, MeSH D009386, MONDO:0015356.

Allele frequency attached by ClinVar (database versions not stated): TOPMed below 0.00001.

Submissions (3):

Labcorp Genetics (formerly Invitae), Labcorp
Classification: Likely benign for Renal cell carcinoma. Last evaluated: 2026-01-11. Review status: criteria provided, single submitter. Criteria: Invitae Variant Classification Sherloc (09022015). Collection method: clinical testing. Allele origin: germline.

Myriad Genetics, Inc.
Classification: Benign for Papillary renal cell carcinoma type 1. Last evaluated: 2024-11-07. Review status: criteria provided, single submitter. Criteria: Myriad Autosomal Dominant, Autosomal Recessive and X-Linked Classification Criteria (2023). Collection method: clinical testing. Allele origin: unknown.
Comment: This variant is considered benign. This variant is a silent/synonymous amino acid change and it is not expected to impact splicing.

Ambry Genetics
Classification: Likely benign for Hereditary cancer-predisposing syndrome. Last evaluated: 2023-01-26. Review status: criteria provided, single submitter. Criteria: Ambry Variant Classification Scheme 2023. Collection method: clinical testing. Allele origin: germline.

NM_000245.4(MET):c.1479G>A (p.Glu493=)

Gene: MET (MET proto-oncogene, receptor tyrosine kinase; plus strand). Cytogenetic location: 7q31.2.
Variant type: single nucleotide variant.
Coding change: c.1479G>A on transcript NM_000245.4 (MANE Select); coding-DNA position 1479, G replaced by A.
Protein change: p.Glu493=; no amino-acid change (glutamic acid 493 retained).
Molecular consequence: synonymous variant.
Genome position (GRCh38, 1-based): chr7:116,740,036, G>A. VCF-style: chr7-116740036-G-A. GRCh37 (hg19) VCF-style: chr7-116380090-G-A.
Other names: c.1479G>A, p.Glu493= (NM_001127500.3, NM_001324401.3); c.189G>A, p.Glu63= (NM_001324402.2); c.1479G>A (NM_001127500.1).
Identifiers: ClinVar variation 1092111 (VCV001092111.11), dbSNP rs1793383550, ClinGen allele CA457215376.